The following is an entry in ClinVar:

ClinVar aggregate classification (germline): Likely benign. Review status: criteria provided, multiple submitters, no conflicts (2 of 4 stars). 2 submissions from 2 submitters: Likely benign (2). Last evaluated 2025-10-08.

Conditions:
SCYL1-related disorder. Also called: SCYL1-related condition.

Allele frequency attached by ClinVar (database versions not stated): gnomAD exomes 0.00002; ExAC 0.00006; gnomAD 0.00007; ESP Exome Variant Server 0.00008; TOPMed 0.00008; 1000 Genomes Project 0.00080; 1000 Genomes Project 30x 0.00109.
gnomAD v4.1: 39 of 1,572,920 alleles (0.0025%); highest among the groups gnomAD compares: Admixed American, 0.015%; no homozygotes.

Submissions (2):

Labcorp Genetics (formerly Invitae), Labcorp
Classification: Likely benign. Last evaluated: 2025-10-08. Review status: criteria provided, single submitter. Criteria: Invitae Variant Classification Sherloc (09022015). Collection method: clinical testing. Allele origin: germline.

PreventionGenetics, part of Exact Sciences
Classification: Likely benign for SCYL1-related condition. Last evaluated: 2025-07-17. Review status: criteria provided, single submitter. Criteria: ACMG Guidelines, 2015. Collection method: clinical testing. Allele origin: germline.
Comment: This variant is classified as likely benign based on ACMG/AMP sequence variant interpretation guidelines (Richards et al. 2015 PMID: 25741868, with internal and published modifications).

NM_020680.4(SCYL1):c.1387-7A>G

Gene: SCYL1 (SCY1 like pseudokinase 1; plus strand). Cytogenetic location: 11q13.1.
Variant type: single nucleotide variant.
Coding change: c.1387-7A>G on transcript NM_020680.4 (MANE Select); 7 bases into the intron before coding-DNA position 1387, A replaced by G.
Molecular consequence: intron variant.
Genome position (GRCh38, 1-based): chr11:65,535,946, A>G. VCF-style: chr11-65535946-A-G. GRCh37 (hg19) VCF-style: chr11-65303417-A-G.
Other names: c.1387-7A>G (NM_020680.3, NM_001411022.1, NM_001048218.2).
Identifiers: ClinVar variation 2960891 (VCV002960891.4), dbSNP rs183121933, ClinGen allele CA6099811.